The following is an entry in ClinVar:

ClinVar aggregate classification (germline): Uncertain significance (1 of 4 stars; one submission).

Allele frequency attached by ClinVar (database versions not stated): TOPMed below 0.00001; gnomAD 0.00001.
gnomAD v4.1: 1 of 1,612,116 alleles (0.000062%); highest among the groups gnomAD compares: Admixed American, 0.0017%; no homozygotes.

Submission:

Labcorp Genetics (formerly Invitae), Labcorp
Classification: Uncertain significance. Last evaluated: 2023-02-22. Review status: criteria provided, single submitter. Criteria: Invitae Variant Classification Sherloc (09022015). Collection method: clinical testing. Allele origin: germline.
Comment: Experimental studies and prediction algorithms are not available or were not evaluated, and the functional significance of this variant is currently unknown. This sequence change replaces leucine, which is neutral and non-polar, with isoleucine, which is neutral and non-polar, at codon 1598 of the KAT6A protein (p.Leu1598Ile). This variant is not present in population databases (gnomAD no frequency). This variant has not been reported in the literature in individuals affected with KAT6A-related conditions. In summary, the available evidence is currently insufficient to determine the role of this variant in disease. Therefore, it has been classified as a Variant of Uncertain Significance.

NM_006766.5(KAT6A):c.4792C>A (p.Leu1598Ile)

Gene: KAT6A (lysine acetyltransferase 6A; minus strand). Cytogenetic location: 8p11.21.
Variant type: single nucleotide variant.
Coding change: c.4792C>A on transcript NM_006766.5 (MANE Select); coding-DNA position 4792, C replaced by A.
Protein change: p.Leu1598Ile; replaces leucine 1598 with isoleucine.
Molecular consequence: missense variant.
Genome position (GRCh38, 1-based): chr8:41,933,428, G>T on the plus strand (C>A on the coding strand, the complement: KAT6A is on the minus strand). VCF-style: chr8-41933428-G-T. GRCh37 (hg19) VCF-style: chr8-41790946-G-T.
Other names: short protein forms L1598I.
Identifiers: ClinVar variation 2973013 (VCV002973013.3), dbSNP rs1821670314, ClinGen allele CA371064632.
Genomic context (GRCh38, chr8:41,933,428, plus strand): 5'-TGCTGCAGCTGCTGCCCATGCTGGCCATCTGCTGAGTGACCACACAGCTGCTCTGGGTGA[G>T]GCTGCTGGAGGACGACAGCCCACCGTAGGAGCAGCTGCTCTGGGAAGAGCTGTTCCCACA-3'
Protein context (NP_006757.2, residues 1588-1608): SYGGLSSSSS[Leu1598Ile]TQSSCVVTQQ